The following is an entry in ClinVar:

NM_001470.4(GABBR1):c.112del (p.Glu38fs)

Gene: GABBR1 (gamma-aminobutyric acid type B receptor subunit 1; minus strand). Cytogenetic location: 6p22.1.
Variant type: Deletion.
Coding change: c.112del on transcript NM_001470.4 (MANE Select); coding-DNA position 112, one base deleted (G; older notation c.112delG).
Protein change: p.Glu38fs; shifts the reading frame from glutamic acid 38.
Molecular consequence: frameshift variant. On other transcripts: 5 prime UTR variant (1).
Genome position (GRCh38, 1-based): chr6:29,631,573, C deleted on the plus strand (G on the coding strand, the reverse complement: GABBR1 is on the minus strand); the first of 3 consecutive C bases (chr6:29,631,573-29,631,575); deleting any one gives the same sequence. VCF-style (leftmost placement, unchanged base first): chr6-29631572-TC-T. GRCh37 (hg19) VCF-style: chr6-29599349-TC-T.
Other names: c.-356del (NM_001319053.2); c.112del, p.Glu38fs (NM_021904.4); short protein forms E38fs.
Identifiers: ClinVar variation 3899430 (VCV003899430.1).
Genomic context (GRCh38, chr6:29,631,572, plus strand): 5'-GGCAGGAAGTTGATAGCCTTCACCTGGTCCCGAGTCAGGCCCCGGTACCTGATGCCCCCT[TC>T]CCAGGGCGGGTGTATGATCTGGCAACCTAAGGGGTGAGTCGGGGAGGCATACAGAGAGGA-3'

ClinVar aggregate classification (germline): Uncertain significance (1 of 4 stars; one submission).

Submission:

GeneDx
Classification: Uncertain significance. Last evaluated: 2024-11-18. Review status: criteria provided, single submitter. Criteria: GeneDx Variant Classification Process June 2021. Collection method: clinical testing. Allele origin: germline. Affected: yes.
Comment: Not observed at significant frequency in large population cohorts (gnomAD); Has not been previously published as pathogenic or benign to our knowledge; Frameshift variant predicted to result in protein truncation or nonsense mediated decay in a gene for which loss-of-function is not a known mechanism of disease